The following is an entry in ClinVar:

NM_000545.8(HNF1A):c.416T>C (p.Leu139Pro)

Gene: HNF1A (HNF1 homeobox A; plus strand). Cytogenetic location: 12q24.31.
Variant type: single nucleotide variant.
Coding change: c.416T>C on transcript NM_000545.8 (MANE Select); coding-DNA position 416, T replaced by C.
Protein change: p.Leu139Pro; replaces leucine 139 with proline.
Molecular consequence: missense variant.
Genome position (GRCh38, 1-based): chr12:120,988,922, T>C. VCF-style: chr12-120988922-T-C. GRCh37 (hg19) VCF-style: chr12-121426725-T-C.
Other names: NM_000545.8(HNF1A):c.416T>C; p.Leu139Pro; c.416T>C, p.Leu139Pro (NM_001306179.2, NM_001406915.1); short protein forms L139P.
Identifiers: ClinVar variation 1940407 (VCV001940407.6), dbSNP rs2499987661, ClinGen allele CA386959782.

ClinVar aggregate classification (germline): Likely pathogenic. Review status: reviewed by expert panel (3 of 4 stars). 2 submissions from 2 submitters: Likely pathogenic (1). 1 of the submissions does not count toward it. Last evaluated 2024-09-24.

Conditions:
Monogenic diabetes. Identifiers: Orphanet 183625, MedGen C3888631, MONDO:0015967.

Submissions (2):

ClinGen Monogenic Diabetes Variant Curation Expert Panel
Classification: Likely pathogenic for Monogenic diabetes. Last evaluated: 2024-09-24. Review status: reviewed by expert panel. Criteria: ClinGen Diabetes ACMG Specifications HNF1A V2.1.0. Collection method: curation. Allele origin: germline. Inheritance: Autosomal dominant inheritance.
Comment: The c.416T>C variant in the HNF1 homeobox A] gene, HNF1A, causes an amino acid change of leucine to proline at codon 139 (p.(Leu139Pro)) of NM_000545.8. This variant is located within a conserved region of the DNA binding domain (codons 107-174 and 201-280) of HNF1A, which is defined as critical for the protein’s function by the ClinGen MDEP (PM1_Supporting). This variant is predicted to be deleterious by computational evidence, with a REVEL score of 0.979, which is greater than the MDEP VCEP threshold of 0.70 (PP3). Functional studies demonstrated the p.Leu139Pro protein has transactivation activity and DNA binding <40% of wildtype, indicating that this variant impacts protein function (PS3_Supporting; PMID: 32017842). This variant is absent from gnomAD v2.1.1 (PM2_Supporting). This variant was identified in 2 individuals with a clinical history highly specific for HNF1A-monogenic diabetes (MODY probability calculator result >50%, negative genetic testing for HNF4A, and negative antibodies) (PP4_Moderate; PMIDs: 32017842, 37396173). This variant segregated with diabetes with 2 informative meioses in these 2 families (PP1; PMIDs: 37396173, 32017842). In summary, c.416T>C meets the criteria to be classified as likely pathogenic for monogenic diabetes. ACMG/AMP criteria applied, as specified by the ClinGen MDEP (specification version 2.1.0, approved 8/11/2023): PP4_Moderate, PP1, PP3, PM1_Supporting, PM2_Supporting, PS3_Supporting.

Labcorp Genetics (formerly Invitae), Labcorp
Classification: Likely pathogenic. Last evaluated: 2022-05-27. Review status: criteria provided, single submitter. Criteria: Invitae Variant Classification Sherloc (09022015). Collection method: clinical testing. Allele origin: germline. Not counted in ClinVar's aggregate classification.
Comment: In summary, the currently available evidence indicates that the variant is pathogenic, but additional data are needed to prove that conclusively. Therefore, this variant has been classified as Likely Pathogenic. Advanced modeling of protein sequence and biophysical properties (such as structural, functional, and spatial information, amino acid conservation, physicochemical variation, residue mobility, and thermodynamic stability) performed at Invitae indicates that this missense variant is expected to disrupt HNF1A protein function. This missense change has been observed in individuals with clinical features of maturity-onset diabetes of the young (PMID: 32017842; Invitae). This variant is not present in population databases (gnomAD no frequency). This sequence change replaces leucine, which is neutral and non-polar, with proline, which is neutral and non-polar, at codon 139 of the HNF1A protein (p.Leu139Pro).

Literature cited by the submitters: PubMed 32017842 (cited by Labcorp Genetics (formerly Invitae), Labcorp).